The following is an entry in ClinVar:

ClinVar aggregate classification (germline): Likely benign (1 of 4 stars; one submission).

Submission:

CeGaT Center for Human Genetics Tuebingen
Classification: Likely benign. Last evaluated: 2025-02-01. Review status: criteria provided, single submitter. Criteria: CeGaT Center For Human Genetics Tuebingen Variant Classification Criteria Version 2. Collection method: clinical testing. Allele origin: germline. Affected: yes. Observed: 1 variant allele.
Comment: SMC3: PM2:Supporting, BP4, BP7

NM_005445.4(SMC3):c.156G>A (p.Glu52=)

Gene: SMC3 (structural maintenance of chromosomes 3; plus strand). Cytogenetic location: 10q25.2.
Variant type: single nucleotide variant.
Coding change: c.156G>A on transcript NM_005445.4 (MANE Select); coding-DNA position 156, G replaced by A.
Protein change: p.Glu52=; no amino-acid change (glutamic acid 52 retained).
Molecular consequence: synonymous variant.
Genome position (GRCh38, 1-based): chr10:110,575,361, G>A. VCF-style: chr10-110575361-G-A. GRCh37 (hg19) VCF-style: chr10-112335119-G-A.
Identifiers: ClinVar variation 3772613 (VCV003772613.13).